The following is an entry in ClinVar:

ClinVar aggregate classification (germline): Uncertain significance. Review status: criteria provided, multiple submitters, no conflicts (2 of 4 stars). 3 submissions from 3 submitters: Uncertain significance (3). Last evaluated 2025-06-16.

Conditions:
Severe combined immunodeficiency, autosomal recessive, T cell-negative, B cell-negative, NK cell-negative, due to adenosine deaminase deficiency. Also called: ADA deficiency; Adenosine deaminase deficient severe combined immunodeficiency; Severe combined immunodeficiency due to ADA deficiency; ADA-SCID; SCID DUE TO ADA DEFICIENCY; SCID DUE TO ADA DEFICIENCY, EARLY-ONSET. Identifiers: Orphanet 277, MedGen C0392607, MONDO:0007064, OMIM 102700.

Allele frequency attached by ClinVar (database versions not stated): gnomAD exomes below 0.00001.
gnomAD v4.1: 9 of 1,588,884 alleles (0.00057%); highest among the groups gnomAD compares: African/African-American, 0.004%; no homozygotes.

Submissions (3):

Women's Health and Genetics/Laboratory Corporation of America, LabCorp
Classification: Uncertain significance. Last evaluated: 2025-06-16. Review status: criteria provided, single submitter. Criteria: LabCorp Variant Classification Summary - May 2015. Collection method: clinical testing. Allele origin: germline.
Comment: Variant summary: ADA c.442G>T (p.Ala148Ser) results in a conservative amino acid change in the encoded protein sequence. Algorithms developed to predict the effect of missense changes on protein structure and function are either unavailable or do not agree on the potential impact of this missense change. The frequency data for this variant in gnomAD is considered unreliable, as metrics indicate poor data quality at this position. To our knowledge, no occurrence of c.442G>T in individuals affected with Severe Combined Immunodeficiency and no experimental evidence demonstrating its impact on protein function have been reported. ClinVar contains an entry for this variant (Variation ID: 2201394). Based on the evidence outlined above, the variant was classified as uncertain significance.

Blueprint Genetics
Classification: Uncertain significance. Last evaluated: 2024-11-25. Review status: criteria provided, single submitter. Criteria: ACMG Guidelines, 2015. Collection method: clinical testing. Allele origin: germline.

Labcorp Genetics (formerly Invitae), Labcorp
Classification: Uncertain significance for Severe combined immunodeficiency, autosomal recessive, T cell-negative, B cell-negative, NK cell-negative, due to adenosine deaminase deficiency. Last evaluated: 2022-10-16. Review status: criteria provided, single submitter. Criteria: Invitae Variant Classification Sherloc (09022015). Collection method: clinical testing. Allele origin: germline.
Comment: This sequence change replaces alanine, which is neutral and non-polar, with serine, which is neutral and polar, at codon 148 of the ADA protein (p.Ala148Ser). This variant is not present in population databases (gnomAD no frequency). This variant has not been reported in the literature in individuals affected with ADA-related conditions. Advanced modeling of protein sequence and biophysical properties (such as structural, functional, and spatial information, amino acid conservation, physicochemical variation, residue mobility, and thermodynamic stability) performed at Invitae indicates that this missense variant is not expected to disrupt ADA protein function. In summary, the available evidence is currently insufficient to determine the role of this variant in disease. Therefore, it has been classified as a Variant of Uncertain Significance.

NM_000022.4(ADA):c.442G>T (p.Ala148Ser)

Gene: ADA (adenosine deaminase; minus strand). Cytogenetic location: 20q13.12.
Variant type: single nucleotide variant.
Coding change: c.442G>T on transcript NM_000022.4 (MANE Select); coding-DNA position 442, G replaced by T.
Protein change: p.Ala148Ser; replaces alanine 148 with serine.
Molecular consequence: missense variant. On other transcripts: non-coding transcript variant (1), intron variant (1).
Genome position (GRCh38, 1-based): chr20:44,625,605, C>A on the plus strand (G>T on the coding strand, the complement: ADA is on the minus strand). VCF-style: chr20-44625605-C-A. GRCh37 (hg19) VCF-style: chr20-43254246-C-A.
Other names: c.442G>T, p.Ala148Ser (NM_001322051.2); c.73+851G>T (NM_001322050.2); short protein forms A148S.
Identifiers: ClinVar variation 2201394 (VCV002201394.3), dbSNP rs1206634144, ClinGen allele CA409121091.
Genomic context (GRCh38, chr20:44,625,605, plus strand): 5'-GGGCAGGGCGGTGATCCTACTCACTGGGCTGGTGGCGCATGCAGCACAGGATGGACCGGG[C>A]CTTGACCCCGAAGTCTCGCTCCCCCTCCTGCAGGCCCTGGCCCACTAGGGCCACCACCTC-3'
Protein context (NP_000013.2, residues 138-158): QEGERDFGVK[Ala148Ser]RSILCCMRHQ